The following is an entry in ClinVar:

ClinVar aggregate classification (germline): Conflicting classifications of pathogenicity. Review status: criteria provided, conflicting classifications (1 of 4 stars). 3 submissions from 3 submitters: Uncertain significance (1); Likely benign (2). Last evaluated 2026-04-01.

Allele frequency attached by ClinVar (database versions not stated): ESP Exome Variant Server 0.00015; ExAC 0.00021; TOPMed 0.00022; gnomAD 0.00024.
gnomAD v4.1: 444 of 1,614,028 alleles (0.028%); highest among the groups gnomAD compares: Non-Finnish European, 0.035%; 1 homozygote.

Submissions (3):

CeGaT Center for Human Genetics Tuebingen
Classification: Likely benign. Last evaluated: 2026-04-01. Review status: criteria provided, single submitter. Criteria: CeGaT Center For Human Genetics Tuebingen Variant Classification Criteria Version 2. Collection method: clinical testing. Allele origin: germline. Affected: yes. Observed: 3 variant alleles.
Comment: FAT2: PP2, BP4, BS2

Labcorp Genetics (formerly Invitae), Labcorp
Classification: Uncertain significance. Last evaluated: 2025-06-02. Review status: criteria provided, single submitter. Criteria: Invitae Variant Classification Sherloc (09022015). Collection method: clinical testing. Allele origin: germline.
Comment: This sequence change replaces arginine, which is basic and polar, with glutamine, which is neutral and polar, at codon 3792 of the FAT2 protein (p.Arg3792Gln). This variant is present in population databases (rs200068080, gnomAD 0.03%). This variant has not been reported in the literature in individuals affected with FAT2-related conditions. ClinVar contains an entry for this variant (Variation ID: 2064604). An algorithm developed to predict the effect of missense changes on protein structure and function outputs the following: PolyPhen-2: "Benign". The glutamine amino acid residue is found in multiple mammalian species, which suggests that this missense change does not adversely affect protein function. In summary, the available evidence is currently insufficient to determine the role of this variant in disease. Therefore, it has been classified as a Variant of Uncertain Significance.

Ambry Genetics
Classification: Likely benign. Last evaluated: 2021-08-23. Review status: criteria provided, single submitter. Criteria: Ambry Variant Classification Scheme 2023. Collection method: clinical testing. Allele origin: germline.

NM_001447.3(FAT2):c.11375G>A (p.Arg3792Gln)

Genes: FAT2 (FAT atypical cadherin 2; minus strand), SLC36A1 (solute carrier family 36 member 1; plus strand). Cytogenetic location: 5q33.1.
Variant type: single nucleotide variant.
Coding change: c.11375G>A on transcript NM_001447.3 (MANE Select); coding-DNA position 11375, G replaced by A.
Protein change: p.Arg3792Gln; replaces arginine 3792 with glutamine.
Molecular consequence: missense variant.
Genome position (GRCh38, 1-based): chr5:151,517,708, C>T on the plus strand (G>A on the coding strand, the complement: FAT2 is on the minus strand). VCF-style: chr5-151517708-C-T. GRCh37 (hg19) VCF-style: chr5-150897269-C-T.
Other names: short protein forms R3792Q.
Identifiers: ClinVar variation 2064604 (VCV002064604.21), dbSNP rs200068080, ClinGen allele CA3520019.
Genomic context (GRCh38, chr5:151,517,708, plus strand): 5'-GTGAATAGAAGAATGGCCTGTGGCTGGAGTGTTTTCAGATAGAAATGGATGTGCCAGTTC[C>T]GAGCCGCTGGGGCCCTGTACCGCACATAGCTCTGACCACTGAACCTTGTAGCAGTACCTG-3'
Protein context (NP_001438.1, residues 3782-3802): SYVRYRAPAA[Arg3792Gln]NWHIHFYLKT